The following is an entry in ClinVar:

ClinVar aggregate classification (germline): Likely benign. Review status: criteria provided, multiple submitters, no conflicts (2 of 4 stars). 4 submissions from 4 submitters: Likely benign (4). Last evaluated 2025-10-22.

Conditions:
Aortic aneurysm, familial thoracic 4 (AAT4). Also called: AORTIC ANEURYSM/AORTIC DISSECTION AND PATENT DUCTUS ARTERIOSUS. Identifiers: MedGen C1851504, MONDO:0007568, OMIM 132900.
Familial thoracic aortic aneurysm and aortic dissection (TAAD). Also called: Thoracic aortic aneurysms and dissections. Identifiers: Orphanet 91387, MedGen C4707243, MONDO:0019625.

Allele frequency attached by ClinVar (database versions not stated): gnomAD exomes below 0.00001; TOPMed below 0.00001.
gnomAD v4.1: 3 of 1,613,406 alleles (0.00019%); highest among the groups gnomAD compares: South Asian, 0.0033%; no homozygotes.

Submissions (4):

Labcorp Genetics (formerly Invitae), Labcorp
Classification: Likely benign for Aortic aneurysm, familial thoracic 4. Last evaluated: 2025-10-22. Review status: criteria provided, single submitter. Criteria: Invitae Variant Classification Sherloc (09022015). Collection method: clinical testing. Allele origin: germline.

All of Us Research Program, National Institutes of Health
Classification: Likely benign for Familial thoracic aortic aneurysm and aortic dissection. Last evaluated: 2024-06-11. Review status: criteria provided, single submitter. Criteria: ACMG Guidelines, 2015. Collection method: clinical testing. Allele origin: germline. Inheritance: Autosomal dominant inheritance. Observed: 1 variant allele, 1 heterozygote.
Comment: This study involves interpretation of variants in research participants for the purpose of population health screening. Participant phenotype was not available at the time of variant classification. Additional details can be found in publication PMID: 35346344, PMCID: PMC8962531

Ambry Genetics
Classification: Likely benign for Familial thoracic aortic aneurysm and aortic dissection. Last evaluated: 2024-06-07. Review status: criteria provided, single submitter. Criteria: Ambry Variant Classification Scheme 2023. Collection method: clinical testing. Allele origin: germline.

Color Diagnostics, LLC DBA Color Health
Classification: Likely benign for Familial thoracic aortic aneurysm and aortic dissection. Last evaluated: 2020-08-24. Review status: criteria provided, single submitter. Criteria: ACMG Guidelines, 2015. Collection method: clinical testing. Allele origin: germline.

NM_002474.3(MYH11):c.3147C>T (p.Ser1049=)

Gene: MYH11 (myosin heavy chain 11; minus strand). Cytogenetic location: 16p13.11.
Variant type: single nucleotide variant.
Coding change: c.3147C>T on transcript NM_002474.3 (MANE Select); coding-DNA position 3147, C replaced by T.
Protein change: p.Ser1049=; no amino-acid change (serine 1049 retained).
Molecular consequence: synonymous variant.
Genome position (GRCh38, 1-based): chr16:15,737,595, G>A on the plus strand (C>T on the coding strand, the complement: MYH11 is on the minus strand). VCF-style: chr16-15737595-G-A. GRCh37 (hg19) VCF-style: chr16-15831452-G-A.
Other names: c.3147C>T (NM_002474.2); c.3168C>T, p.Ser1056= (NM_001040113.2, NM_001040114.2); c.3147C>T, p.Ser1049= (NM_022844.3).
Identifiers: ClinVar variation 1171037 (VCV001171037.5), dbSNP rs1490973342, ClinGen allele CA493781390.
Genomic context (GRCh38, chr16:15,737,595, plus strand): 5'-CTCGTGGAAGTCGCTGGCATCACCCTCCAGCTTCCGTTTCAGCTTCTCCAGCTCCTGTCG[G>A]CTCTTCTCTTCCTTCTTTAGCCGCACTGCAAAAACCAAGGTGCTCTTCAGGAAGGGGAGG-3'
Protein context (NP_002465.1, residues 1039-1059): LEVRLKKEEK[Ser1049=]RQELEKLKRK